The following is an entry in ClinVar:

ClinVar aggregate classification (germline): Uncertain significance. Review status: criteria provided, multiple submitters, no conflicts (2 of 4 stars). 5 submissions from 5 submitters: Uncertain significance (5). Last evaluated 2025-08-20.

Conditions:
Long QT syndrome (LQTS). Identifiers: MedGen C0023976, MeSH D008133, MONDO:0002442. Disease mechanism: loss of function. Inheritance: Various modes of inheritance.
Long QT syndrome 2 (LQT2). Identifiers: Orphanet 101016, Orphanet 768, MedGen C3150943, MONDO:0013367, OMIM 613688.

Allele frequency attached by ClinVar (database versions not stated): ExAC 0.00001; gnomAD 0.00001; gnomAD exomes 0.00001 and 0.00002.
gnomAD v4.1: 29 of 1,614,124 alleles (0.0018%); highest among the groups gnomAD compares: Non-Finnish European, 0.0022%; no homozygotes.

Submissions (5):

GeneDx
Classification: Uncertain significance. Last evaluated: 2025-08-20. Review status: criteria provided, single submitter. Criteria: GeneDx Variant Classification Process June 2021. Collection method: clinical testing. Allele origin: germline. Affected: yes.
Comment: Not observed at significant frequency in large population cohorts (gnomAD); In silico analysis supports that this missense variant has a deleterious effect on protein structure/function; Has not been previously published as pathogenic or benign to our knowledge

Labcorp Genetics (formerly Invitae), Labcorp
Classification: Uncertain significance for Long QT syndrome. Last evaluated: 2023-12-05. Review status: criteria provided, single submitter. Criteria: Invitae Variant Classification Sherloc (09022015). Collection method: clinical testing. Allele origin: germline.
Comment: This sequence change replaces glutamic acid, which is acidic and polar, with lysine, which is basic and polar, at codon 698 of the KCNH2 protein (p.Glu698Lys). This variant is present in population databases (rs753966347, gnomAD 0.01%). This variant has not been reported in the literature in individuals affected with KCNH2-related conditions. ClinVar contains an entry for this variant (Variation ID: 945957). An algorithm developed to predict the effect of missense changes on protein structure and function (PolyPhen-2) suggests that this variant is likely to be disruptive. In summary, the available evidence is currently insufficient to determine the role of this variant in disease. Therefore, it has been classified as a Variant of Uncertain Significance.

All of Us Research Program, National Institutes of Health
Classification: Uncertain significance for Long QT syndrome. Last evaluated: 2023-10-02. Review status: criteria provided, single submitter. Criteria: ACMG Guidelines, 2015. Collection method: clinical testing. Allele origin: germline. Inheritance: Autosomal dominant inheritance. Observed: 2 variant alleles, 2 heterozygotes.
Comment: This missense variant replaces glutamic acid with lysine at codon 698 of the KCNH2 protein. Computational prediction suggests that this variant may have a deleterious impact on protein structure and function (internally defined REVEL score threshold >= 0.7, PMID: 27666373). To our knowledge, functional studies have not been reported for this variant. This variant has not been reported in individuals affected with KCNH2-related disorders in the literature. This variant has been identified in 3/282790 chromosomes in the general population by the Genome Aggregation Database (gnomAD). The available evidence is insufficient to determine the role of this variant in disease conclusively. Therefore, this variant is classified as a Variant of Uncertain Significance.

This study involves interpretation of variants in research participants for the purpose of population health screening. Participant phenotype was not available at the time of variant classification. Additional details can be found in publication PMID: 35346344, PMCID: PMC8962531

Victorian Clinical Genetics Services, Murdoch Childrens Research Institute
Classification: Uncertain significance for Long QT syndrome 2. Last evaluated: 2022-02-02. Review status: criteria provided, single submitter. Criteria: ACMG Guidelines, 2015. Collection method: clinical testing. Allele origin: germline. Inheritance: Autosomal dominant inheritance. Affected: yes.
Comment: Based on the classification scheme VCGS_Germline_v1.3.3, this variant is classified as 3B-VUS. Following criteria are met: 0103 - Dominant negative and loss of function are known mechanisms of disease in this gene and are associated with Long QT syndrome 2 (MIM#613688). Gain of function is also a known mechanism associated with Short QT syndrome 1 (MIM#609620) (OMIM, PMID: 10753933; PMID: 21777565). (I) 0107 - This gene is associated with autosomal dominant disease. (I) 0112 - The condition associated with this gene has incomplete penetrance (PMID: 20301308). (I) 0200 - Variant is predicted to result in a missense amino acid change from glutamic acid to lysine. (I) 0251 - This variant is heterozygous. (I) 0302 - Variant is present in gnomAD (v2) <0.001 for a dominant condition (3 heterozygotes, 0 homozygotes). (SP) 0501 - Missense variant consistently predicted to be damaging by multiple in silico tools or highly conserved with a major amino acid change. (SP) 0600 - Variant is located in the annotated C-linker region (PMID: 25074935). (I) 0705 - No comparable missense variants have previous evidence for pathogenicity. (I) 0809 - Previous evidence of pathogenicity for this variant is inconclusive. This variant has been classified once as a VUS in ClinVar and has not been reported elsewhere in the literature. (I) 0905 - No published segregation evidence has been identified for this variant. (I) 1007 - No published functional evidence has been identified for this variant. (I) 1208 - Inheritance information for this variant is not currently available in this individual. (I) Legend: (SP) - Supporting pathogenic, (I) - Information, (SB) - Supporting benign

Blueprint Genetics
Classification: Uncertain significance. Last evaluated: 2017-07-20. Review status: criteria provided, single submitter. Criteria: ACMG Guidelines, 2015. Collection method: clinical testing. Allele origin: germline.

Literature cited by the submitters: PubMed 10753933 (cited by Victorian Clinical Genetics Services, Murdoch Childrens Research Institute); PubMed 20301308 (cited by Victorian Clinical Genetics Services, Murdoch Childrens Research Institute); PubMed 21777565 (cited by Victorian Clinical Genetics Services, Murdoch Childrens Research Institute); PubMed 25074935 (cited by Victorian Clinical Genetics Services, Murdoch Childrens Research Institute).

NM_000238.4(KCNH2):c.2092G>A (p.Glu698Lys)

Gene: KCNH2 (potassium voltage-gated channel subfamily H member 2; minus strand). Cytogenetic location: 7q36.1.
Variant type: single nucleotide variant.
Coding change: c.2092G>A on transcript NM_000238.4 (MANE Select); coding-DNA position 2092, G replaced by A.
Protein change: p.Glu698Lys; replaces glutamic acid 698 with lysine.
Molecular consequence: missense variant.
Genome position (GRCh38, 1-based): chr7:150,950,974, C>T on the plus strand (G>A on the coding strand, the complement: KCNH2 is on the minus strand). VCF-style: chr7-150950974-C-T. GRCh37 (hg19) VCF-style: chr7-150648062-C-T.
Other names: c.1072G>A, p.Glu358Lys (NM_001204798.2, NM_172057.3); c.1804G>A, p.Glu602Lys (NM_001406753.1, NM_001406756.1); c.1915G>A, p.Glu639Lys (NM_001406755.1); c.1792G>A, p.Glu598Lys (NM_001406757.1); c.2092G>A, p.Glu698Lys (NM_172056.3); short protein forms E698K, E358K, E602K, E598K, E639K.
Identifiers: ClinVar variation 945957 (VCV000945957.19), dbSNP rs753966347, ClinGen allele CA030572.